The following is an entry in ClinVar:

NM_001330691.3(CEP78):c.1835C>A (p.Thr612Lys)

Gene: CEP78 (centrosomal protein 78; plus strand). Cytogenetic location: 9q21.2.
Variant type: single nucleotide variant.
Coding change: c.1835C>A on transcript NM_001330691.3 (MANE Select); coding-DNA position 1835, C replaced by A.
Protein change: p.Thr612Lys; replaces threonine 612 with lysine.
Molecular consequence: missense variant. On other transcripts: intron variant (4).
Genome position (GRCh38, 1-based): chr9:78,265,896, C>A. VCF-style: chr9-78265896-C-A. GRCh37 (hg19) VCF-style: chr9-80880812-C-A.
Other names: c.1838C>A, p.Thr613Lys (NM_001098802.3, NM_001349839.2); c.1835C>A, p.Thr612Lys (NM_001349838.2); c.1800+353C>A (NM_001349840.2, NM_032171.3); c.1797+353C>A (NM_001330693.3, NM_001330694.2); short protein forms T612K, T613K.
Identifiers: ClinVar variation 1008718 (VCV001008718.8), dbSNP rs1827506251, ClinGen allele CA373866715.

ClinVar aggregate classification (germline): Uncertain significance (1 of 4 stars; one submission).

Allele frequency attached by ClinVar (database versions not stated): TOPMed below 0.00001.

Submission:

Labcorp Genetics (formerly Invitae), Labcorp
Classification: Uncertain significance. Last evaluated: 2020-07-28. Review status: criteria provided, single submitter. Criteria: Invitae Variant Classification Sherloc (09022015). Collection method: clinical testing. Allele origin: germline.
Comment: In summary, the available evidence is currently insufficient to determine the role of this variant in disease. Therefore, it has been classified as a Variant of Uncertain Significance. Algorithms developed to predict the effect of missense changes on protein structure and function are either unavailable or do not agree on the potential impact of this missense change (SIFT: "Deleterious"; PolyPhen-2: "Benign"; Align-GVGD: "Class C0"). This variant has not been reported in the literature in individuals with CEP78-related conditions. This variant is not present in population databases (ExAC no frequency). This sequence change replaces threonine with lysine at codon 613 of the CEP78 protein (p.Thr613Lys). The threonine residue is weakly conserved and there is a moderate physicochemical difference between threonine and lysine.